The following is an entry in ClinVar:

NM_013245.3(VPS4A):c.1109T>C (p.Ile370Thr)

Gene: VPS4A (vacuolar protein sorting 4 homolog A; plus strand). Cytogenetic location: 16q22.1.
Variant type: single nucleotide variant.
Coding change: c.1109T>C on transcript NM_013245.3 (MANE Select); coding-DNA position 1109, T replaced by C.
Protein change: p.Ile370Thr; replaces isoleucine 370 with threonine.
Molecular consequence: missense variant.
Genome position (GRCh38, 1-based): chr16:69,322,597, T>C. VCF-style: chr16-69322597-T-C. GRCh37 (hg19) VCF-style: chr16-69356500-T-C.
Other names: short protein forms I370T.
Identifiers: ClinVar variation 3054706 (VCV003054706.3), dbSNP rs375833582, ClinGen allele CA8133348.

ClinVar aggregate classification (germline): Likely benign. Review status: criteria provided, single submitter (1 of 4 stars). 2 submissions from 2 submitters: Likely benign (1). 1 of the submissions does not count toward it. Last evaluated 2024-01-23.

Conditions:
Inborn genetic diseases. Identifiers: MedGen C0950123, MeSH D030342.
VPS4A-related disorder. Also called: VPS4A-related condition.

Allele frequency attached by ClinVar (database versions not stated): gnomAD exomes 0.00001; ExAC 0.00004; gnomAD 0.00005; 1000 Genomes Project 30x 0.00016; ESP Exome Variant Server 0.00016.

Submissions (2):

Ambry Genetics
Classification: Likely benign for Inborn genetic diseases. Last evaluated: 2024-01-23. Review status: criteria provided, single submitter. Criteria: Ambry Variant Classification Scheme 2023. Collection method: clinical testing. Allele origin: germline.

PreventionGenetics, part of Exact Sciences
Classification: Likely benign for VPS4A-related condition. Last evaluated: 2022-05-23. Review status: no assertion criteria provided. Collection method: clinical testing. Allele origin: germline. Not counted in ClinVar's aggregate classification.
Comment: This variant is classified as likely benign based on ACMG/AMP sequence variant interpretation guidelines (Richards et al. 2015 PMID: 25741868, with internal and published modifications).